The following is an entry in ClinVar:

ClinVar aggregate classification (germline): Uncertain significance. Review status: criteria provided, multiple submitters, no conflicts (2 of 4 stars). 4 submissions from 4 submitters: Uncertain significance (3). 1 of the submissions does not count toward it. Last evaluated 2025-11-16.

Conditions:
Cystic fibrosis (CF). Also called: MUCOVISCIDOSIS. Identifiers: Orphanet 586, MedGen C0010674, MONDO:0009061, OMIM 219700. Disease mechanism: loss of function.
CFTR-related disorder (CFTR-RD). Also called: CFTR-related disorders; CFTR-related condition. Identifiers: MedGen C5924204, MONDO:7770004.

gnomAD v4.1: 1 of 1,613,964 alleles (0.000062%); highest among the groups gnomAD compares: Non-Finnish European, 0.000085%; no homozygotes.

Submissions (4):

PreventionGenetics, part of Exact Sciences
Classification: Uncertain significance for CFTR-related condition. Last evaluated: 2025-11-16. Review status: criteria provided, single submitter. Criteria: ACMG Guidelines, 2015. Collection method: clinical testing. Allele origin: germline.
Comment: The CFTR c.4336A>G variant is predicted to result in the amino acid substitution p.Arg1446Gly. To our knowledge, this variant has not been reported in the literature or in a large population database (gnomAD), indicating this variant is rare. At this time, the clinical significance of this variant is uncertain due to the absence of conclusive functional and genetic evidence.

Labcorp Genetics (formerly Invitae), Labcorp
Classification: Uncertain significance for Cystic fibrosis. Last evaluated: 2023-12-08. Review status: criteria provided, single submitter. Criteria: Invitae Variant Classification Sherloc (09022015). Collection method: clinical testing. Allele origin: germline.
Comment: This sequence change replaces arginine, which is basic and polar, with glycine, which is neutral and non-polar, at codon 1446 of the CFTR protein (p.Arg1446Gly). This variant is not present in population databases (gnomAD no frequency). This variant has not been reported in the literature in individuals affected with CFTR-related conditions. ClinVar contains an entry for this variant (Variation ID: 964811). Advanced modeling of protein sequence and biophysical properties (such as structural, functional, and spatial information, amino acid conservation, physicochemical variation, residue mobility, and thermodynamic stability) has been performed at Invitae for this missense variant, however the output from this modeling did not meet the statistical confidence thresholds required to predict the impact of this variant on CFTR protein function. In summary, the available evidence is currently insufficient to determine the role of this variant in disease. Therefore, it has been classified as a Variant of Uncertain Significance.

Ambry Genetics
Classification: Uncertain significance for Cystic fibrosis. Last evaluated: 2021-04-23. Review status: criteria provided, single submitter. Criteria: Ambry Variant Classification Scheme 2023. Collection method: clinical testing. Allele origin: germline.
Comment: The p.R1446G variant (also known as c.4336A>G), located in coding exon 27 of the CFTR gene, results from an A to G substitution at nucleotide position 4336. The arginine at codon 1446 is replaced by glycine, an amino acid with dissimilar properties. This amino acid position is well conserved in available vertebrate species. In addition, the in silico prediction for this alteration is inconclusive. Since supporting evidence is limited at this time, the clinical significance of this alteration remains unclear.

Natera, Inc.
Classification: Uncertain significance for CFTR-related disorders. Last evaluated: 2021-06-24. Review status: no assertion criteria provided. Collection method: clinical testing. Allele origin: germline. Not counted in ClinVar's aggregate classification.

NM_000492.4(CFTR):c.4336A>G (p.Arg1446Gly)

Genes: CFTR (CF transmembrane conductance regulator; plus strand), LOC111674477 (CFTR intron 23 enhancer; plus strand). Cytogenetic location: 7q31.2.
Variant type: single nucleotide variant.
Coding change: c.4336A>G on transcript NM_000492.4 (MANE Select); coding-DNA position 4336, A replaced by G.
Protein change: p.Arg1446Gly; replaces arginine 1446 with glycine.
Molecular consequence: missense variant.
Genome position (GRCh38, 1-based): chr7:117,667,001, A>G. VCF-style: chr7-117667001-A-G. GRCh37 (hg19) VCF-style: chr7-117307055-A-G.
Other names: short protein forms R1446G.
Identifiers: ClinVar variation 964811 (VCV000964811.13), dbSNP rs985995406, ClinGen allele CA368984967.